The following is an entry in ClinVar:

ClinVar aggregate classification (germline): Pathogenic (1 of 4 stars; one submission).

Conditions:
Mucopolysaccharidosis, MPS-II (MPS2). Also called: Hunter Syndrome; IDURONATE 2-SULFATASE DEFICIENCY; Mucopolysaccharidosis Type II; Mucopolysaccharidosis type 2; Attenuated MPS (subtype; formerly known as mild MPS II); Severe MPS II. Identifiers: Orphanet 580, Orphanet 79388, MedGen C0026705, MONDO:0010674, OMIM 309900.

Submission:

Laboratory of Diagnosis and Therapy of Lysosomal Disorders, University of Padova
Classification: Pathogenic for Mucopolysaccharidosis, MPS-II. Last evaluated: 2024-06-07. Review status: criteria provided, single submitter. Criteria: ACMG Guidelines, 2015. Collection method: literature only. Allele origin: germline. Affected: yes. Observed: 1 variant allele.
Comment: Null variant (PVS1_VeryStrong), Absent from controls (or at low frequency) in gnomAD database (PM2_Moderate), Patient’s phenotype or family history highly specific for the disease (PP4_Moderate)

Classification method: ACMG Guidelines [PMID:25741868] with modifications

Literature cited by the submitters: PubMed 24125893.

NM_000202.8(IDS):c.155del (p.Gly52fs)

Gene: IDS (iduronate 2-sulfatase; minus strand). Cytogenetic location: Xq28.
Variant type: Deletion.
Coding change: c.155del on transcript NM_000202.8 (MANE Select); coding-DNA position 155, one base deleted (G; older notation c.155delG).
Protein change: p.Gly52fs; shifts the reading frame from glycine 52.
Molecular consequence: frameshift variant. On other transcripts: 5 prime UTR variant (1), non-coding transcript variant (1).
Genome position (GRCh38, 1-based): chrX:149,504,242, C deleted on the plus strand (G on the coding strand, the reverse complement: IDS is on the minus strand); the first of 3 consecutive C bases (chrX:149,504,242-149,504,244); deleting any one gives the same sequence. VCF-style (leftmost placement, unchanged base first): chrX-149504241-GC-G. GRCh37 (hg19) VCF-style: chrX-148585771-GC-G.
Other names: c.-72del (NM_001166550.4); c.155del, p.Gly52fs (NM_006123.5); short protein forms G52fs.
Identifiers: ClinVar variation 3255933 (VCV003255933.2).
Genomic context (GRCh38, chrX:149,504,241, plus strand): 5'-GAGGCTGTGGGATGCCAGTTGGTCAATATTTGGGGACCTCACCAGCTTATCCCCATAACA[GC>G]CCAGGGAGGGGCGCAGGTCATCCACGATGATGAGAAGAACGTTCAGAGCATCTACACAGG-3'